The following is an entry in ClinVar:

NM_206933.4(USH2A):c.1991G>T (p.Cys664Phe)

Gene: USH2A (usherin; minus strand). Cytogenetic location: 1q41.
Variant type: single nucleotide variant.
Coding change: c.1991G>T on transcript NM_206933.4 (MANE Select); coding-DNA position 1991, G replaced by T.
Protein change: p.Cys664Phe; replaces cysteine 664 with phenylalanine.
Molecular consequence: missense variant.
Genome position (GRCh38, 1-based): chr1:216,251,079, C>A on the plus strand (G>T on the coding strand, the complement: USH2A is on the minus strand). VCF-style: chr1-216251079-C-A. GRCh37 (hg19) VCF-style: chr1-216424421-C-A.
Other names: c.1991G>T, p.Cys664Phe (NM_007123.6); short protein forms C664F.
Identifiers: ClinVar variation 2871666 (VCV002871666.3), dbSNP rs1205322456, ClinGen allele CA344866786.

ClinVar aggregate classification (germline): Likely pathogenic (1 of 4 stars; one submission).

gnomAD v4.1: 1 of 1,614,030 alleles (0.000062%); highest among the groups gnomAD compares: Non-Finnish European, 0.000085%; no homozygotes.

Submission:

Labcorp Genetics (formerly Invitae), Labcorp
Classification: Likely pathogenic. Last evaluated: 2024-01-29. Review status: criteria provided, single submitter. Criteria: Invitae Variant Classification Sherloc (09022015). Collection method: clinical testing. Allele origin: germline.
Comment: This sequence change replaces cysteine, which is neutral and slightly polar, with phenylalanine, which is neutral and non-polar, at codon 664 of the USH2A protein (p.Cys664Phe). This variant is not present in population databases (gnomAD no frequency). This missense change has been observed in individual(s) with retinitis pigmentosa (PMID: 33576794, 34781295). In at least one individual the data is consistent with being in trans (on the opposite chromosome) from a pathogenic variant. Advanced modeling of protein sequence and biophysical properties (such as structural, functional, and spatial information, amino acid conservation, physicochemical variation, residue mobility, and thermodynamic stability) performed at Invitae indicates that this missense variant is expected to disrupt USH2A protein function with a positive predictive value of 95%. In summary, the currently available evidence indicates that the variant is pathogenic, but additional data are needed to prove that conclusively. Therefore, this variant has been classified as Likely Pathogenic.

Literature cited by the submitters: PubMed 33576794; PubMed 34781295.